The following is an entry in ClinVar:

NM_000179.3(MSH6):c.416C>G (p.Thr139Arg)

Gene: MSH6 (mutS homolog 6; plus strand). Cytogenetic location: 2p16.3.
Variant type: single nucleotide variant.
Coding change: c.416C>G on transcript NM_000179.3 (MANE Select); coding-DNA position 416, C replaced by G.
Protein change: p.Thr139Arg; replaces threonine 139 with arginine.
Molecular consequence: missense variant. On other transcripts: 5 prime UTR variant (2), intron variant (1).
Genome position (GRCh38, 1-based): chr2:47,791,082, C>G. VCF-style: chr2-47791082-C-G. GRCh37 (hg19) VCF-style: chr2-48018221-C-G.
Other names: c.-321C>G (NM_001281493.2, NM_001406811.1, NM_001406823.1 and 1 more transcripts); c.-487C>G (NM_001281494.2); c.512C>G, p.Thr171Arg (NM_001406795.1, NM_001406802.1); c.416C>G, p.Thr139Arg (NM_001406796.1, NM_001406798.1, NM_001406800.1 and 6 more transcripts); c.119C>G, p.Thr40Arg (NM_001406797.1, NM_001406801.1, NM_001406805.1 and 10 more transcripts); c.338C>G, p.Thr113Arg (NM_001406804.1); c.-513C>G (NM_001406807.1); c.-579C>G (NM_001406814.1); and 2 more; short protein forms T171R, T40R, T113R, T139R, T83R.
Identifiers: ClinVar variation 1738403 (VCV001738403.2), dbSNP rs1443147770, ClinGen allele CA346737127.

ClinVar aggregate classification (germline): Uncertain significance (1 of 4 stars; one submission).

Conditions:
Hereditary cancer-predisposing syndrome. Also called: Hereditary Cancer Syndrome; Hereditary neoplastic syndrome; Neoplastic Syndromes, Hereditary; Tumor predisposition. Identifiers: Orphanet 140162, MedGen C0027672, MeSH D009386, MONDO:0015356.

Allele frequency attached by ClinVar (database versions not stated): gnomAD exomes below 0.00001.
gnomAD v4.1: 2 of 1,614,138 alleles (0.00012%); highest among the groups gnomAD compares: Non-Finnish European, 0.00017%; no homozygotes.

Submission:

Ambry Genetics
Classification: Uncertain significance for Hereditary cancer-predisposing syndrome. Last evaluated: 2017-10-17. Review status: criteria provided, single submitter. Criteria: Ambry Variant Classification Scheme 2023. Collection method: clinical testing. Allele origin: germline.
Comment: The p.T139R variant (also known as c.416C>G), located in coding exon 2 of the MSH6 gene, results from a C to G substitution at nucleotide position 416. The threonine at codon 139 is replaced by arginine, an amino acid with similar properties. This amino acid position is well conserved in available vertebrate species. In addition, the in silico prediction for this alteration is inconclusive. In addition, the CoDP in silico tool predicts this alteration to have minor impact on molecular function, with a score of 0.087 (Terui H et al. J. Biomed. Sci. 2013 Apr;20:25). Since supporting evidence is limited at this time, the clinical significance of this alteration remains unclear.